The following is an entry in ClinVar:

ClinVar aggregate classification (germline): Uncertain significance (1 of 4 stars; one submission).

Submission:

Labcorp Genetics (formerly Invitae), Labcorp
Classification: Uncertain significance. Last evaluated: 2024-04-07. Review status: criteria provided, single submitter. Criteria: Invitae Variant Classification Sherloc (09022015). Collection method: clinical testing. Allele origin: germline.
Comment: This sequence change replaces arginine, which is basic and polar, with glycine, which is neutral and non-polar, at codon 832 of the WFS1 protein (p.Arg832Gly). This variant is not present in population databases (gnomAD no frequency). This missense change has been observed in individual(s) with clinical features of diabetes mellitus (PMID: 31264968). Advanced modeling of protein sequence and biophysical properties (such as structural, functional, and spatial information, amino acid conservation, physicochemical variation, residue mobility, and thermodynamic stability) has been performed at Invitae for this missense variant, however the output from this modeling did not meet the statistical confidence thresholds required to predict the impact of this variant on WFS1 protein function. In summary, the available evidence is currently insufficient to determine the role of this variant in disease. Therefore, it has been classified as a Variant of Uncertain Significance.

Literature cited by the submitters: PubMed 31264968.

NM_006005.3(WFS1):c.2494C>G (p.Arg832Gly)

Gene: WFS1 (wolframin ER transmembrane glycoprotein; plus strand). Cytogenetic location: 4p16.1.
Variant type: single nucleotide variant.
Coding change: c.2494C>G on transcript NM_006005.3 (MANE Select); coding-DNA position 2494, C replaced by G.
Protein change: p.Arg832Gly; replaces arginine 832 with glycine.
Molecular consequence: missense variant.
Genome position (GRCh38, 1-based): chr4:6,302,289, C>G. VCF-style: chr4-6302289-C-G. GRCh37 (hg19) VCF-style: chr4-6304016-C-G.
Other names: c.2494C>G, p.Arg832Gly (NM_001145853.1); short protein forms R832G.
Identifiers: ClinVar variation 3718609 (VCV003718609.2).
Genomic context (GRCh38, chr4:6,302,289, plus strand): 5'-AGCGTGCTGCTCAGCCTGCGCCAGGGCAGCCTCATCGAGTTCAGCACCATCCTGGAGGGC[C>G]GCCTGGGCAGCAAGTGGCCTGTCTTCGAGCTCAAGGCCATCAGCTGCCTCAACTGCATGG-3'
Protein context (NP_005996.2, residues 822-842): LIEFSTILEG[Arg832Gly]LGSKWPVFEL